The following is an entry in ClinVar:

ClinVar aggregate classification (germline): Uncertain significance. Review status: criteria provided, multiple submitters, no conflicts (2 of 4 stars). 2 submissions from 2 submitters: Uncertain significance (2). Last evaluated 2025-01-14.

Conditions:
Familial hemiplegic migraine. Identifiers: MedGen C0338484, MONDO:0000700.

gnomAD v4.1: 6 of 1,614,138 alleles (0.00037%); highest among the groups gnomAD compares: Non-Finnish European, 0.00051%; no homozygotes.

Submissions (2):

Labcorp Genetics (formerly Invitae), Labcorp
Classification: Uncertain significance for Familial hemiplegic migraine. Last evaluated: 2025-01-14. Review status: criteria provided, single submitter. Criteria: Invitae Variant Classification Sherloc (09022015). Collection method: clinical testing. Allele origin: germline.
Comment: This sequence change replaces leucine, which is neutral and non-polar, with phenylalanine, which is neutral and non-polar, at codon 580 of the ATP1A2 protein (p.Leu580Phe). This variant is not present in population databases (gnomAD no frequency). This variant has not been reported in the literature in individuals affected with ATP1A2-related conditions. Invitae Evidence Modeling of protein sequence and biophysical properties (such as structural, functional, and spatial information, amino acid conservation, physicochemical variation, residue mobility, and thermodynamic stability) indicates that this missense variant is not expected to disrupt ATP1A2 protein function with a negative predictive value of 80%. In summary, the available evidence is currently insufficient to determine the role of this variant in disease. Therefore, it has been classified as a Variant of Uncertain Significance.

Revvity Omics, Revvity
Classification: Uncertain significance. Last evaluated: 2024-05-15. Review status: criteria provided, single submitter. Criteria: ACMG Guidelines, 2015. Collection method: clinical testing. Allele origin: germline.

NM_000702.4(ATP1A2):c.1738C>T (p.Leu580Phe)

Gene: ATP1A2 (ATPase Na+/K+ transporting subunit alpha 2; plus strand). Cytogenetic location: 1q23.2.
Variant type: single nucleotide variant.
Coding change: c.1738C>T on transcript NM_000702.4 (MANE Select); coding-DNA position 1738, C replaced by T.
Protein change: p.Leu580Phe; replaces leucine 580 with phenylalanine.
Molecular consequence: missense variant.
Genome position (GRCh38, 1-based): chr1:160,130,508, C>T. VCF-style: chr1-160130508-C-T. GRCh37 (hg19) VCF-style: chr1-160100298-C-T.
Other names: short protein forms L580F.
Identifiers: ClinVar variation 3613895 (VCV003613895.3).